The following is an entry in ClinVar:

ClinVar aggregate classification (germline): Uncertain significance. Review status: criteria provided, multiple submitters, no conflicts (2 of 4 stars). 2 submissions from 2 submitters: Uncertain significance (2). Last evaluated 2024-11-06.

Conditions:
Pheochromocytoma. Also called: MAX-Related Hereditary Paraganglioma-Pheochromocytoma Syndrome. Identifiers: Orphanet 29072, MedGen C0031511, MONDO:0008233, OMIM 171300, HP:0002666.
Pheochromocytoma/paraganglioma syndrome 4. Also called: PARAGANGLIOMA, FAMILIAL MALIGNANT; PARAGANGLIOMAS, HEREDITARY EXTRAADRENAL; PHEOCHROMOCYTOMA, FAMILIAL EXTRAADRENAL; SDHB-Related Hereditary Paraganglioma-Pheochromocytoma Syndrome (Paragangliomas 4); CAROTID BODY TUMORS AND MULTIPLE EXTRAADRENAL PHEOCHROMOCYTOMAS; SDHB-Related Hereditary Paraganglioma-Pheochromocytoma Syndrome. Identifiers: Orphanet 29072, MedGen C1861848, MONDO:0007273, OMIM 115310.
Gastrointestinal stromal tumor. Also called: Gastrointestinal stromal tumor, somatic; Gastrointestinal stroma tumor. Identifiers: Orphanet 44890, MedGen C0238198, MeSH D046152, MONDO:0011719, OMIM 606764, HP:0100723.

Allele frequency attached by ClinVar (database versions not stated): gnomAD exomes below 0.00001.
gnomAD v4.1: 1 of 1,613,960 alleles (0.000062%); highest among the groups gnomAD compares: Non-Finnish European, 0.000085%; no homozygotes.

Submissions (2):

Quest Diagnostics Nichols Institute San Juan Capistrano
Classification: Uncertain significance. Last evaluated: 2024-11-06. Review status: criteria provided, single submitter. Criteria: Quest Diagnostics criteria. Collection method: clinical testing. Allele origin: unknown.
Comment: The SDHB c.676T>C (p.Phe226Leu) variant has not been reported in individuals with SDHB-related conditions in the published literature. It also has not been reported in large, multi-ethnic general populations (Genome Aggregation Database). Analysis of this variant using bioinformatics tools for the prediction of the effect of amino acid changes on protein structure and function yielded predictions that this variant is benign. Based on the available information, we are unable to determine the clinical significance of this variant.

Labcorp Genetics (formerly Invitae), Labcorp
Classification: Uncertain significance for Gastrointestinal stromal tumor; Pheochromocytoma/paraganglioma syndrome 4; Pheochromocytoma. Last evaluated: 2024-07-24. Review status: criteria provided, single submitter. Criteria: Invitae Variant Classification Sherloc (09022015). Collection method: clinical testing. Allele origin: germline.
Comment: This sequence change replaces phenylalanine, which is neutral and non-polar, with leucine, which is neutral and non-polar, at codon 226 of the SDHB protein (p.Phe226Leu). This variant is not present in population databases (gnomAD no frequency). This variant has not been reported in the literature in individuals affected with SDHB-related conditions. ClinVar contains an entry for this variant (Variation ID: 642335). Advanced modeling of protein sequence and biophysical properties (such as structural, functional, and spatial information, amino acid conservation, physicochemical variation, residue mobility, and thermodynamic stability) performed at Invitae indicates that this missense variant is not expected to disrupt SDHB protein function with a negative predictive value of 80%. In summary, the available evidence is currently insufficient to determine the role of this variant in disease. Therefore, it has been classified as a Variant of Uncertain Significance.

NM_003000.3(SDHB):c.676T>C (p.Phe226Leu)

Gene: SDHB (succinate dehydrogenase complex iron sulfur subunit B; minus strand). Cytogenetic location: 1p36.13.
Variant type: single nucleotide variant.
Coding change: c.676T>C on transcript NM_003000.3 (MANE Select); coding-DNA position 676, T replaced by C.
Protein change: p.Phe226Leu; replaces phenylalanine 226 with leucine.
Molecular consequence: missense variant.
Genome position (GRCh38, 1-based): chr1:17,022,697, A>G on the plus strand (T>C on the coding strand, the complement: SDHB is on the minus strand). VCF-style: chr1-17022697-A-G. GRCh37 (hg19) VCF-style: chr1-17349192-A-G.
Other names: short protein forms F226L.
Identifiers: ClinVar variation 642335 (VCV000642335.7), dbSNP rs1570944911, ClinGen allele CA338270394.